The following is an entry in ClinVar:

ClinVar aggregate classification (germline): Uncertain significance (1 of 4 stars; one submission).

Conditions:
KMT2E-related disorder. Also called: KMT2E-related condition.

Allele frequency attached by ClinVar (database versions not stated): TOPMed below 0.00001.

Submission:

PreventionGenetics, part of Exact Sciences
Classification: Uncertain significance for KMT2E-related condition. Last evaluated: 2022-11-17. Review status: criteria provided, single submitter. Criteria: ACMG Guidelines, 2015. Collection method: clinical testing. Allele origin: germline.
Comment: The KMT2E c.778C>T variant is predicted to result in the amino acid substitution p.Pro260Ser. To our knowledge, this variant has not been reported in the literature or in a large population database, indicating this variant is rare. At this time, the clinical significance of this variant is uncertain due to the absence of conclusive functional and genetic evidence.

NM_182931.3(KMT2E):c.778C>T (p.Pro260Ser)

Gene: KMT2E (lysine methyltransferase 2E (inactive); plus strand). Cytogenetic location: 7q22.3.
Variant type: single nucleotide variant.
Coding change: c.778C>T on transcript NM_182931.3 (MANE Select); coding-DNA position 778, C replaced by T.
Protein change: p.Pro260Ser; replaces proline 260 with serine.
Molecular consequence: missense variant.
Genome position (GRCh38, 1-based): chr7:105,076,972, C>T. VCF-style: chr7-105076972-C-T. GRCh37 (hg19) VCF-style: chr7-104717419-C-T.
Other names: c.778C>T, p.Pro260Ser (NM_001410908.1, NM_018682.4); short protein forms P260S.
Identifiers: ClinVar variation 2635474 (VCV002635474.1), dbSNP rs982318080, ClinGen allele CA163989674.